The following is an entry in ClinVar:

ClinVar aggregate classification (germline): Likely pathogenic (1 of 4 stars; one submission).

Conditions:
Histiocytic medullary reticulosis. Also called: SEVERE COMBINED IMMUNODEFICIENCY WITH HYPEREOSINOPHILIA; Omenn syndrome. Identifiers: Orphanet 39041, MedGen C2700553, MONDO:0011338, OMIM 603554.

Submission:

Natera, Inc.
Classification: Likely pathogenic for Omenn syndrome. Last evaluated: 2025-04-18. Review status: criteria provided, single submitter. Criteria: Natera Variant Classification Schema (03/2026). Collection method: clinical testing. Allele origin: germline.
Comment: The c.793delC variant in RAG2 is a frameshift variant predicted to shift the reading frame beginning at codon 265 and leads to a stop codon 21 codons downstream. This variant is expected to result in nonsense mediated decay, truncation, or a dysfunctional protein product. This variant is rare in the general population with a frequency below the threshold expected for the associated phenotype(s). Given the available evidence, this variant is classified as Likely Pathogenic.

NM_000536.4(RAG2):c.793del (p.Gln265fs)

Gene: RAG2 (recombination activating 2; minus strand). Cytogenetic location: 11p12.
Variant type: Deletion.
Coding change: c.793del on transcript NM_000536.4 (MANE Select); coding-DNA position 793, one base deleted (C; older notation c.793delC).
Protein change: p.Gln265fs; shifts the reading frame from glutamine 265.
Molecular consequence: frameshift variant.
Genome position (GRCh38, 1-based): chr11:36,593,376, G deleted on the plus strand (C on the coding strand, the reverse complement: RAG2 is on the minus strand). VCF-style (leftmost placement, unchanged base first): chr11-36593375-TG-T. GRCh37 (hg19) VCF-style: chr11-36614925-TG-T.
Other names: c.793del, p.Gln265fs (NM_001243785.2, NM_001243786.2); short protein forms Q265fs.
Identifiers: ClinVar variation 4814343 (VCV004814343.1).